The following is an entry in ClinVar:

ClinVar aggregate classification (germline): Pathogenic (1 of 4 stars; one submission).

Conditions:
DOCK2 deficiency. Also called: Immunodeficiency 40. Identifiers: Orphanet 447737, MedGen C4225328, MONDO:0014637, OMIM 616433.

Submission:

Labcorp Genetics (formerly Invitae), Labcorp
Classification: Pathogenic for DOCK2 deficiency. Last evaluated: 2022-10-18. Review status: criteria provided, single submitter. Criteria: Invitae Variant Classification Sherloc (09022015). Collection method: clinical testing. Allele origin: germline.
Comment: For these reasons, this variant has been classified as Pathogenic. ClinVar contains an entry for this variant (Variation ID: 1070656). This variant has not been reported in the literature in individuals affected with DOCK2-related conditions. This variant is not present in population databases (gnomAD no frequency). This sequence change creates a premature translational stop signal (p.Arg1596*) in the DOCK2 gene. It is expected to result in an absent or disrupted protein product. Loss-of-function variants in DOCK2 are known to be pathogenic (PMID: 26083206).

Literature cited by the submitters: PubMed 26083206.

NM_004946.3(DOCK2):c.4786C>T (p.Arg1596Ter)

Gene: DOCK2 (dedicator of cytokinesis 2; plus strand). Cytogenetic location: 5q35.1.
Variant type: single nucleotide variant.
Coding change: c.4786C>T on transcript NM_004946.3 (MANE Select); coding-DNA position 4786, C replaced by T.
Protein change: p.Arg1596Ter; replaces arginine 1596 with a stop codon.
Molecular consequence: nonsense. On other transcripts: non-coding transcript variant (1).
Genome position (GRCh38, 1-based): chr5:170,076,004, C>T. VCF-style: chr5-170076004-C-T. GRCh37 (hg19) VCF-style: chr5-169503008-C-T.
Other names: short protein forms R1596*.
Identifiers: ClinVar variation 1070656 (VCV001070656.7), dbSNP rs2113874830, ClinGen allele CA362115088.